The following is an entry in ClinVar:

ClinVar aggregate classification (germline): Uncertain significance (1 of 4 stars; one submission).

Submission:

GeneDx
Classification: Uncertain significance. Last evaluated: 2025-04-11. Review status: criteria provided, single submitter. Criteria: GeneDx Variant Classification Process June 2021. Collection method: clinical testing. Allele origin: germline. Affected: yes.
Comment: Not observed at significant frequency in large population cohorts (gnomAD); In silico analysis supports that this missense variant has a deleterious effect on protein structure/function; Has not been previously published as pathogenic or benign to our knowledge

NM_002972.4(SBF1):c.1778A>G (p.Lys593Arg)

Gene: SBF1 (SET binding factor 1; minus strand). Cytogenetic location: 22q13.33.
Variant type: single nucleotide variant.
Coding change: c.1778A>G on transcript NM_002972.4 (MANE Select); coding-DNA position 1778, A replaced by G.
Protein change: p.Lys593Arg; replaces lysine 593 with arginine.
Molecular consequence: missense variant.
Genome position (GRCh38, 1-based): chr22:50,463,404, T>C on the plus strand (A>G on the coding strand, the complement: SBF1 is on the minus strand). VCF-style: chr22-50463404-T-C. GRCh37 (hg19) VCF-style: chr22-50901833-T-C.
Other names: c.1781A>G, p.Lys594Arg (NM_001365819.1, NM_001410794.1); c.1778A>G, p.Lys593Arg (NM_001410795.1); short protein forms K593R, K594R.
Identifiers: ClinVar variation 4282486 (VCV004282486.1).